The following is an entry in ClinVar:

NM_017934.7(PHIP):c.1282_1286del (p.Thr428fs)

Gene: PHIP (PHIP subunit of CUL4-Ring ligase complex; minus strand). Cytogenetic location: 6q14.1.
Variant type: Deletion.
Coding change: c.1282_1286del on transcript NM_017934.7 (MANE Select); coding-DNA positions 1282 to 1286, 5 bases deleted (ACTAT; older notation c.1282_1286delACTAT).
Protein change: p.Thr428fs; shifts the reading frame from threonine 428.
Molecular consequence: frameshift variant.
Genome position (GRCh38, 1-based): chr6:79,015,733-79,015,737, ATAGT deleted on the plus strand (ACTAT on the coding strand, the reverse complement: PHIP is on the minus strand); deleting any 5 consecutive bases within chr6:79,015,733-79,015,738 gives the same sequence; the c. name uses the placement nearest the transcript's 3' end. VCF-style (leftmost placement, unchanged base first): chr6-79015732-CATAGT-C. GRCh37 (hg19) VCF-style: chr6-79725449-CATAGT-C.
Other names: short protein forms T428fs.
Identifiers: ClinVar variation 4627380 (VCV004627380.1).

ClinVar aggregate classification (germline): Likely pathogenic (1 of 4 stars; one submission).

Conditions:
Inborn genetic diseases. Identifiers: MedGen C0950123, MeSH D030342.

Submission:

Ambry Genetics
Classification: Likely pathogenic for Inborn genetic diseases. Last evaluated: 2025-09-16. Review status: criteria provided, single submitter. Criteria: Ambry Variant Classification Scheme 2023. Collection method: clinical testing. Allele origin: germline.
Comment: The c.1282_1286delACTAT (p.T428Gfs*7) alteration, located in exon 14 (coding exon 14) of the PHIP gene, consists of a deletion of 5 nucleotides from position 1282 to 1286, causing a translational frameshift with a predicted alternate stop codon after 7 amino acids. Loss-of-function variants are expected to result in loss of function by premature protein truncation or nonsense-mediated mRNA decay. However, in silico splice site analysis predicts that this alteration will result in the creation or strengthening of a novel splice donor site. The exact functional effect of this variant is unknown. This variant was not reported in population-based cohorts in the Genome Aggregation Database (gnomAD). Based on the available evidence, this alteration is classified as likely pathogenic.